The following is an entry in ClinVar:

NM_203446.3(SYNJ1):c.93C>G (p.Leu31=)

Gene: SYNJ1 (synaptojanin 1; minus strand). Cytogenetic location: 21q22.11.
Variant type: single nucleotide variant.
Coding change: c.93C>G on transcript NM_203446.3 (MANE Select); coding-DNA position 93, C replaced by G.
Protein change: p.Leu31=; no amino-acid change (leucine 31 retained).
Molecular consequence: synonymous variant.
Genome position (GRCh38, 1-based): chr21:32,726,803, G>C on the plus strand (C>G on the coding strand, the complement: SYNJ1 is on the minus strand). VCF-style: chr21-32726803-G-C. GRCh37 (hg19) VCF-style: chr21-34099114-G-C.
Other names: c.93C>G, p.Leu31= (NM_001160302.2, NM_001160306.2); c.210C>G, p.Leu70= (NM_003895.4).
Identifiers: ClinVar variation 544583 (VCV000544583.21), dbSNP rs201322530, ClinGen allele CA10004216.

ClinVar aggregate classification (germline): Likely benign. Review status: criteria provided, multiple submitters, no conflicts (2 of 4 stars). 3 submissions from 3 submitters: Likely benign (3). Last evaluated 2025-08-31.

Conditions:
Early-onset Parkinson disease 20. Also called: PARKINSON DISEASE 20, AUTOSOMAL RECESSIVE EARLY-ONSET. Identifiers: Orphanet 391411, MedGen C3809824, MONDO:0014233, OMIM 615530.
Developmental and epileptic encephalopathy, 53. Also called: Epileptic encephalopathy, early infantile, 53. Identifiers: MedGen C4479313, MONDO:0033362, OMIM 617389.

Allele frequency attached by ClinVar (database versions not stated): gnomAD 0.00001; TOPMed 0.00004; ExAC 0.00010; gnomAD exomes 0.00011.
gnomAD v4.1: 142 of 1,614,052 alleles (0.0088%); highest among the groups gnomAD compares: Middle Eastern, 0.016%; 2 homozygotes.

Submissions (3):

Labcorp Genetics (formerly Invitae), Labcorp
Classification: Likely benign for Developmental and epileptic encephalopathy, 53; Early-onset Parkinson disease 20. Last evaluated: 2025-08-31. Review status: criteria provided, single submitter. Criteria: Invitae Variant Classification Sherloc (09022015). Collection method: clinical testing. Allele origin: germline.

CeGaT Center for Human Genetics Tuebingen
Classification: Likely benign. Last evaluated: 2025-06-01. Review status: criteria provided, single submitter. Criteria: CeGaT Center For Human Genetics Tuebingen Variant Classification Criteria Version 2. Collection method: clinical testing. Allele origin: germline. Affected: yes. Observed: 1 variant allele.
Comment: SYNJ1: BP4, BP7

Blueprint Genetics
Classification: Likely benign. Last evaluated: 2024-10-14. Review status: criteria provided, single submitter. Criteria: ACMG Guidelines, 2015. Collection method: clinical testing. Allele origin: germline.